The following is an entry in ClinVar:

ClinVar aggregate classification (germline): Uncertain significance (1 of 4 stars; one submission).

Allele frequency attached by ClinVar (database versions not stated): gnomAD exomes below 0.00001.
gnomAD v4.1: 1 of 1,614,102 alleles (0.000062%); highest among the groups gnomAD compares: Admixed American, 0.0017%; no homozygotes.

Submission:

Labcorp Genetics (formerly Invitae), Labcorp
Classification: Uncertain significance. Last evaluated: 2023-12-01. Review status: criteria provided, single submitter. Criteria: Invitae Variant Classification Sherloc (09022015). Collection method: clinical testing. Allele origin: germline.
Comment: This sequence change replaces glutamic acid, which is acidic and polar, with lysine, which is basic and polar, at codon 895 of the EFL1 protein (p.Glu895Lys). This variant is not present in population databases (gnomAD no frequency). This variant has not been reported in the literature in individuals affected with EFL1-related conditions. Advanced modeling of protein sequence and biophysical properties (such as structural, functional, and spatial information, amino acid conservation, physicochemical variation, residue mobility, and thermodynamic stability) performed at Invitae indicates that this missense variant is not expected to disrupt EFL1 protein function with a negative predictive value of 80%. In summary, the available evidence is currently insufficient to determine the role of this variant in disease. Therefore, it has been classified as a Variant of Uncertain Significance.

NM_024580.6(EFL1):c.2683G>A (p.Glu895Lys)

Gene: EFL1 (elongation factor like GTPase 1; minus strand). Cytogenetic location: 15q25.2.
Variant type: single nucleotide variant.
Coding change: c.2683G>A on transcript NM_024580.6 (MANE Select); coding-DNA position 2683, G replaced by A.
Protein change: p.Glu895Lys; replaces glutamic acid 895 with lysine.
Molecular consequence: missense variant. On other transcripts: non-coding transcript variant (1).
Genome position (GRCh38, 1-based): chr15:82,151,771, C>T on the plus strand (G>A on the coding strand, the complement: EFL1 is on the minus strand). VCF-style: chr15-82151771-C-T. GRCh37 (hg19) VCF-style: chr15-82444112-C-T.
Other names: c.2530G>A, p.Glu844Lys (NM_001040610.3); c.1894G>A, p.Glu632Lys (NM_001322844.2); c.2683G>A, p.Glu895Lys (NM_001322845.2); short protein forms E632K, E844K, E895K.
Identifiers: ClinVar variation 3013818 (VCV003013818.3), dbSNP rs2505308793, ClinGen allele CA393286904.